The following is an entry in ClinVar:

NM_199420.4(POLQ):c.4796A>G (p.Asp1599Gly)

Gene: POLQ (DNA polymerase theta; minus strand). Cytogenetic location: 3q13.33.
Variant type: single nucleotide variant.
Coding change: c.4796A>G on transcript NM_199420.4 (MANE Select); coding-DNA position 4796, A replaced by G.
Protein change: p.Asp1599Gly; replaces aspartic acid 1599 with glycine.
Molecular consequence: missense variant.
Genome position (GRCh38, 1-based): chr3:121,488,135, T>C on the plus strand (A>G on the coding strand, the complement: POLQ is on the minus strand). VCF-style: chr3-121488135-T-C. GRCh37 (hg19) VCF-style: chr3-121206982-T-C.
Other names: short protein forms D1599G.
Identifiers: ClinVar variation 3422379 (VCV003422379.1).

ClinVar aggregate classification (germline): Uncertain significance (1 of 4 stars; one submission).

Submission:

Ambry Genetics
Classification: Uncertain significance. Last evaluated: 2024-08-12. Review status: criteria provided, single submitter. Criteria: Ambry Variant Classification Scheme 2023. Collection method: clinical testing. Allele origin: germline.
Comment: The p.D1599G variant (also known as c.4796A>G), located in coding exon 16 of the POLQ gene, results from an A to G substitution at nucleotide position 4796. The aspartic acid at codon 1599 is replaced by glycine, an amino acid with similar properties. This amino acid position is conserved. In addition, this alteration is predicted to be tolerated by in silico analysis. Based on the available evidence, the clinical significance of this variant remains unclear.